The following is an entry in ClinVar:

NM_005612.5(REST):c.608C>G (p.Ser203Cys)

Gene: REST (RE1 silencing transcription factor; plus strand). Cytogenetic location: 4q12.
Variant type: single nucleotide variant.
Coding change: c.608C>G on transcript NM_005612.5 (MANE Select); coding-DNA position 608, C replaced by G.
Protein change: p.Ser203Cys; replaces serine 203 with cysteine.
Molecular consequence: missense variant.
Genome position (GRCh38, 1-based): chr4:56,911,246, C>G. VCF-style: chr4-56911246-C-G. GRCh37 (hg19) VCF-style: chr4-57777412-C-G.
Other names: c.608C>G, p.Ser203Cys (NM_001193508.2, NM_001363453.3); short protein forms S203C.
Identifiers: ClinVar variation 2174361 (VCV002174361.6), dbSNP rs369789287, ClinGen allele CA2932129.
Genomic context (GRCh38, chr4:56,911,246, plus strand): 5'-CTAAGAAATTTTTTGTGGAAGAGAGTGCAGAGAAGCAGGCAAAAGCCAGGGAATCTGGCT[C>G]TTCCACTGCAGAAGAGGGAGATTTCTCCAAGGGCCCCATTCGCTGTGACCGCTGCGGCTA-3'
Protein context (NP_005603.3, residues 193-213): EKQAKARESG[Ser203Cys]STAEEGDFSK

ClinVar aggregate classification (germline): Uncertain significance. Review status: criteria provided, multiple submitters, no conflicts (2 of 4 stars). 3 submissions from 3 submitters: Uncertain significance (3). Last evaluated 2024-04-24.

Conditions:
Wilms tumor 6 (WT6). Also called: WILMS TUMOR 6, SUSCEPTIBILITY TO. Identifiers: Orphanet 654, MedGen C3891301, MONDO:0014779, OMIM 616806.
Autosomal dominant nonsyndromic hearing loss 27. Also called: Deafness, autosomal dominant 27. Identifiers: Orphanet 90635, MedGen C3887929, MONDO:0012902, OMIM 612431.
Fibromatosis, gingival, 5. Also called: FIBROMATOSIS, GINGIVAL, HEREDITARY, 5. Identifiers: MedGen C4539942, MONDO:0033493, OMIM 617626.
Inborn genetic diseases. Identifiers: MedGen C0950123, MeSH D030342.

Allele frequency attached by ClinVar (database versions not stated): ExAC 0.00002; TOPMed 0.00011.
gnomAD v4.1: 37 of 1,614,054 alleles (0.0023%); highest among the groups gnomAD compares: African/African-American, 0.031%; no homozygotes.

Submissions (3):

Fulgent Genetics
Classification: Uncertain significance for Autosomal dominant nonsyndromic hearing loss 27; Wilms tumor 6; Fibromatosis, gingival, 5. Last evaluated: 2024-04-24. Review status: criteria provided, single submitter. Criteria: ACMG Guidelines, 2015. Collection method: clinical testing. Allele origin: germline.

Labcorp Genetics (formerly Invitae), Labcorp
Classification: Uncertain significance. Last evaluated: 2023-06-09. Review status: criteria provided, single submitter. Criteria: Invitae Variant Classification Sherloc (09022015). Collection method: clinical testing. Allele origin: germline.
Comment: This sequence change replaces serine, which is neutral and polar, with cysteine, which is neutral and slightly polar, at codon 203 of the REST protein (p.Ser203Cys). In summary, the available evidence is currently insufficient to determine the role of this variant in disease. Therefore, it has been classified as a Variant of Uncertain Significance. An algorithm developed to predict the effect of missense changes on protein structure and function (PolyPhen-2) suggests that this variant is likely to be tolerated. ClinVar contains an entry for this variant (Variation ID: 2174361). This variant has not been reported in the literature in individuals affected with REST-related conditions. This variant is present in population databases (rs369789287, gnomAD 0.02%).

Ambry Genetics
Classification: Uncertain significance for Inborn genetic diseases. Last evaluated: 2022-01-26. Review status: criteria provided, single submitter. Criteria: Ambry Variant Classification Scheme 2023. Collection method: clinical testing. Allele origin: germline.